The following is an entry in ClinVar:

ClinVar aggregate classification (germline): Benign. Review status: criteria provided, multiple submitters, no conflicts (2 of 4 stars). 3 submissions from 3 submitters: Benign (3). Last evaluated 2023-11-12.

Allele frequency attached by ClinVar (database versions not stated): 1000 Genomes Project 0.09065; 1000 Genomes Project 30x 0.09307; TOPMed 0.12589; gnomAD 0.13327 and 0.13335; gnomAD exomes 0.14084; ESP Exome Variant Server 0.14778; ExAC 0.15086.
gnomAD v4.1: 275,715 of 1,597,270 alleles (17%); highest among the groups gnomAD compares: Non-Finnish European, 19%; 25,578 homozygotes.

Submissions (5):

Unidad de Genómica Garrahan, Hospital de Pediatría Garrahan
Classification: Benign. Last evaluated: 2023-11-12. Review status: criteria provided, single submitter. Criteria: ACMG Guidelines, 2015. Collection method: clinical testing. Allele origin: germline. Affected: no. Observed: 24 variant alleles.
Comment: This variant is classified as Benign based on local population frequency. This variant was detected in 25% of patients studied by a panel of primary immunodeficiencies. Number of patients: 24. Only high quality variants are reported.

GeneDx
Classification: Benign. Last evaluated: 2021-06-19. Review status: criteria provided, single submitter. Criteria: GeneDx Variant Classification Process June 2021. Collection method: clinical testing. Allele origin: germline. Affected: yes.

Breakthrough Genomics
Classification: Benign. Review status: criteria provided, single submitter. Criteria: ACMG Guidelines, 2015. Collection method: not provided. Allele origin: germline. Inheritance: Autosomal dominant inheritance. Affected: yes.

Dr. Peter K. Rogan Lab, Western University
No classification provided (evidence only). Condition: Cholangiocarcinoma. Review status: no classification provided. Collection method: in vitro. Allele origin: not applicable. Functional consequence: skipped exon. Not counted in ClinVar's aggregate classification.

Dr. Peter K. Rogan Lab, Western University
No classification provided (evidence only). Condition: Cholangiocarcinoma. Review status: no classification provided. Collection method: in vitro. Allele origin: not applicable. Functional consequence: retained intron. Not counted in ClinVar's aggregate classification.

NM_020529.3(NFKBIA):c.548-29G>A

Gene: NFKBIA (NFKB inhibitor alpha; minus strand). Cytogenetic location: 14q13.2.
Variant type: single nucleotide variant.
Coding change: c.548-29G>A on transcript NM_020529.3 (MANE Select); 29 bases into the intron before coding-DNA position 548, G replaced by A.
Molecular consequence: intron variant.
Genome position (GRCh38, 1-based): chr14:35,402,888, C>T on the plus strand (G>A on the coding strand, the complement: NFKBIA is on the minus strand). VCF-style: chr14-35402888-C-T. GRCh37 (hg19) VCF-style: chr14-35872094-C-T.
Other names: NC_000014.8:g.35872094C>T.
Identifiers: ClinVar variation 1260146 (VCV001260146.6), dbSNP rs2233417, ClinGen allele CA7155422.